The following is an entry in ClinVar:

ClinVar aggregate classification (germline): Uncertain significance (1 of 4 stars; one submission).

Conditions:
Charcot-Marie-Tooth disease type 4. Also called: Charcot-Marie-Tooth, Type 4; Charcot-Marie-Tooth disease, type IV. Identifiers: Orphanet 64749, MedGen C4082197, MONDO:0018995.

Allele frequency attached by ClinVar (database versions not stated): ExAC 0.00001; TOPMed 0.00002; gnomAD 0.00003 and 0.00004.
gnomAD v4.1: 16 of 1,613,690 alleles (0.00099%); highest among the groups gnomAD compares: African/African-American, 0.0053%; no homozygotes.

Submission:

Labcorp Genetics (formerly Invitae), Labcorp
Classification: Uncertain significance for Charcot-Marie-Tooth disease type 4. Last evaluated: 2021-04-17. Review status: criteria provided, single submitter. Criteria: Invitae Variant Classification Sherloc (09022015). Collection method: clinical testing. Allele origin: germline.
Comment: This variant is present in population databases (rs758888846, ExAC 0.01%). In summary, the available evidence is currently insufficient to determine the role of this variant in disease. Therefore, it has been classified as a Variant of Uncertain Significance. Algorithms developed to predict the effect of missense changes on protein structure and function (SIFT, PolyPhen-2, Align-GVGD) all suggest that this variant is likely to be tolerated, but these predictions have not been confirmed by published functional studies and their clinical significance is uncertain. This variant has not been reported in the literature in individuals with PRX-related conditions. This sequence change replaces arginine with glutamine at codon 368 of the PRX protein (p.Arg368Gln). The arginine residue is moderately conserved and there is a small physicochemical difference between arginine and glutamine.

NM_181882.3(PRX):c.1103G>A (p.Arg368Gln)

Gene: PRX (periaxin; minus strand). Cytogenetic location: 19q13.2.
Variant type: single nucleotide variant.
Coding change: c.1103G>A on transcript NM_181882.3 (MANE Select); coding-DNA position 1103, G replaced by A.
Protein change: p.Arg368Gln; replaces arginine 368 with glutamine.
Molecular consequence: missense variant. On other transcripts: 3 prime UTR variant (1).
Genome position (GRCh38, 1-based): chr19:40,397,249, C>T on the plus strand (G>A on the coding strand, the complement: PRX is on the minus strand). VCF-style: chr19-40397249-C-T. GRCh37 (hg19) VCF-style: chr19-40903156-C-T.
Other names: c.*1308G>A (NM_020956.2); short protein forms R368Q.
Identifiers: ClinVar variation 1461392 (VCV001461392.8), dbSNP rs758888846, ClinGen allele CA9444324.